The following is an entry in ClinVar:

NM_183235.3(RAB27A):c.91G>A (p.Asp31Asn)

Gene: RAB27A (RAB27A, member RAS oncogene family; minus strand). Cytogenetic location: 15q21.3.
Variant type: single nucleotide variant.
Coding change: c.91G>A on transcript NM_183235.3 (MANE Select); coding-DNA position 91, G replaced by A.
Protein change: p.Asp31Asn; replaces aspartic acid 31 with asparagine.
Molecular consequence: missense variant.
Genome position (GRCh38, 1-based): chr15:55,234,844, C>T on the plus strand (G>A on the coding strand, the complement: RAB27A is on the minus strand). VCF-style: chr15-55234844-C-T. GRCh37 (hg19) VCF-style: chr15-55527042-C-T.
Other names: c.91G>A, p.Asp31Asn (NM_004580.5, NM_183234.3, NM_183236.3); short protein forms D31N.
Identifiers: ClinVar variation 2093389 (VCV002093389.4), dbSNP rs2542814973, ClinGen allele CA392530892.
Genomic context (GRCh38, chr15:55,234,844, plus strand): 5'-CTCTTTTTTCCCTGAAATCAATGCCCACTGTTGTGATAAATTTGGAGTTAAATTTACCAT[C>T]TGTATATTGGTAAAGTACACTGGTCTTCCCTACACCAGAGTCTCCCAAAGCTAAAAACTT-3'
Protein context (NP_899058.1, residues 21-41): GKTSVLYQYT[Asp31Asn]GKFNSKFITT

ClinVar aggregate classification (germline): Uncertain significance (1 of 4 stars; one submission).

Conditions:
Griscelli syndrome type 2 (GS2). Also called: GRISCELLI SYNDROME WITH HEMOPHAGOCYTIC SYNDROME; PAID SYNDROME; PARTIAL ALBINISM AND IMMUNODEFICIENCY SYNDROME. Identifiers: Orphanet 381, Orphanet 79477, MedGen C1868679, MONDO:0011872, OMIM 607624.

Submission:

Labcorp Genetics (formerly Invitae), Labcorp
Classification: Uncertain significance for Griscelli syndrome type 2. Last evaluated: 2022-02-05. Review status: criteria provided, single submitter. Criteria: Invitae Variant Classification Sherloc (09022015). Collection method: clinical testing. Allele origin: germline.
Comment: This variant has not been reported in the literature in individuals affected with RAB27A-related conditions. This variant is not present in population databases (gnomAD no frequency). This sequence change replaces aspartic acid, which is acidic and polar, with asparagine, which is neutral and polar, at codon 31 of the RAB27A protein (p.Asp31Asn). Advanced modeling of protein sequence and biophysical properties (such as structural, functional, and spatial information, amino acid conservation, physicochemical variation, residue mobility, and thermodynamic stability) performed at Invitae indicates that this missense variant is expected to disrupt RAB27A protein function. In summary, the available evidence is currently insufficient to determine the role of this variant in disease. Therefore, it has been classified as a Variant of Uncertain Significance.